The following is an entry in ClinVar:

ClinVar aggregate classification (germline): Pathogenic (1 of 4 stars; one submission).

Conditions:
Gaucher disease. Also called: Acute cerebral Gaucher disease; Cerebroside lipidosis syndrome; Gaucher splenomegaly; Sphingolipidosis 1; Glucocerebrosidosis; Glucosylceramidase deficiency. Identifiers: Orphanet 355, MedGen C0017205, MONDO:0018150.

Submission:

Women's Health and Genetics/Laboratory Corporation of America, LabCorp
Classification: Pathogenic for Gaucher disease. Last evaluated: 2026-01-27. Review status: criteria provided, single submitter. Criteria: LabCorp Variant Classification Summary - May 2015. Collection method: clinical testing. Allele origin: germline.
Comment: Variant summary: The variant involves the deletion of exons 4-12 in the GBA1 gene (since the first exon is non-coding, this deletion is also known as deletion of exons 3-11). A presumed nomenclature of c.(115+1_116-1)_(*544_?)del has been designated for the purposes of this classification. The exact breakpoint at the distal 3' end of this variant is unknown, therefore this deletion may extend downstream of the annotated region of the gene. As it encompasses the termination codon, it is predicted to escape nonsense mediated decay (NMD). Loss-of-function variants in this gene are known to be pathogenic. The variant was absent in 112900 control chromosomes in the gnomAD database (Structural Variants v4.1 dataset). However, the GBA1 gene is known to be in a region affected by pseudogene interference (and perceived copy number variability), therefore the gnomAD frequency data for copy number variants in this region might not be reliable. The variant, described as deletion of exons 3-11, has been reported in heterozygous state in patients with Parkinson's disease, but was also found in unaffected carriers from the same family (Ichinose_2019), which is consistent with a variable penetrance. Authors of this study also performed mRNA expression analysis and glucocerebrosidase activity measurements in patient- and carrier derived leukocytes and found that both expression levels and enzyme activities tended to be lower in carriers, compared to non-carriers (Ichinose_2019). The following publication has been ascertained in the context of this evaluation (PMID: 30528172). ClinVar contains an entry for a similar variant (Variation ID: 813310). Based on the evidence outlined above, the variant was classified as pathogenic.

Literature cited by the submitters: PubMed 30528172.

NC_000001.10:g.(?_155204242)_(155209869_155210420)del

Gene: GBA1 (glucosylceramidase beta 1; minus strand). Cytogenetic location: 1q22.
Variant type: Deletion.
Identifiers: ClinVar variation 4689252 (VCV004689252.1).